The following is an entry in ClinVar:

NM_182914.3(SYNE2):c.3824G>A (p.Cys1275Tyr)

Gene: SYNE2 (spectrin repeat containing nuclear envelope protein 2; plus strand). Cytogenetic location: 14q23.2.
Variant type: single nucleotide variant.
Coding change: c.3824G>A on transcript NM_182914.3 (MANE Select); coding-DNA position 3824, G replaced by A.
Protein change: p.Cys1275Tyr; replaces cysteine 1275 with tyrosine.
Molecular consequence: missense variant.
Genome position (GRCh38, 1-based): chr14:64,002,757, G>A. VCF-style: chr14-64002757-G-A. GRCh37 (hg19) VCF-style: chr14-64469475-G-A.
Other names: c.3824G>A, p.Cys1275Tyr (NM_015180.6); short protein forms C1275Y.
Identifiers: ClinVar variation 969597 (VCV000969597.12), dbSNP rs1309435421, ClinGen allele CA389996305.

ClinVar aggregate classification (germline): Uncertain significance. Review status: criteria provided, multiple submitters, no conflicts (2 of 4 stars). 2 submissions from 2 submitters: Uncertain significance (2). Last evaluated 2021-12-21.

Conditions:
Emery-Dreifuss muscular dystrophy 5, autosomal dominant (EDMD5). Also called: EMERY-DREIFUSS MUSCULAR DYSTROPHY 5. Identifiers: Orphanet 261, MedGen C2751805, MONDO:0013072, OMIM 612999.

Allele frequency attached by ClinVar (database versions not stated): gnomAD exomes below 0.00001.
gnomAD v4.1: 2 of 1,613,508 alleles (0.00012%); highest among the groups gnomAD compares: East Asian, 0.0022%; no homozygotes.

Submissions (2):

Labcorp Genetics (formerly Invitae), Labcorp
Classification: Uncertain significance for Emery-Dreifuss muscular dystrophy 5, autosomal dominant. Last evaluated: 2021-12-21. Review status: criteria provided, single submitter. Criteria: Invitae Variant Classification Sherloc (09022015). Collection method: clinical testing. Allele origin: germline.
Comment: This variant has not been reported in the literature in individuals affected with SYNE2-related conditions. This sequence change replaces cysteine, which is neutral and slightly polar, with tyrosine, which is neutral and polar, at codon 1275 of the SYNE2 protein (p.Cys1275Tyr). This variant is present in population databases (no rsID available, gnomAD 0.003%). ClinVar contains an entry for this variant (Variation ID: 969597). Algorithms developed to predict the effect of missense changes on protein structure and function output the following: SIFT: "Deleterious"; PolyPhen-2: "Benign"; Align-GVGD: "Class C0". The tyrosine amino acid residue is found in multiple mammalian species, which suggests that this missense change does not adversely affect protein function. In summary, the available evidence is currently insufficient to determine the role of this variant in disease. Therefore, it has been classified as a Variant of Uncertain Significance.

Revvity Omics, Revvity
Classification: Uncertain significance for Emery-Dreifuss muscular dystrophy 5, autosomal dominant. Last evaluated: 2019-10-07. Review status: criteria provided, single submitter. Criteria: ACMG Guidelines, 2015. Collection method: clinical testing. Allele origin: germline.